The following is an entry in ClinVar:

NM_000059.4(BRCA2):c.3226G>A (p.Val1076Ile)

Gene: BRCA2 (BRCA2 DNA repair associated; plus strand). Cytogenetic location: 13q13.1.
Variant type: single nucleotide variant.
Coding change: c.3226G>A on transcript NM_000059.4 (MANE Select); coding-DNA position 3226, G replaced by A.
Protein change: p.Val1076Ile; replaces valine 1076 with isoleucine.
Molecular consequence: missense variant.
Genome position (GRCh38, 1-based): chr13:32,337,581, G>A. VCF-style: chr13-32337581-G-A. GRCh37 (hg19) VCF-style: chr13-32911718-G-A.
Other names: short protein forms V1076I.
Identifiers: ClinVar variation 96788 (VCV000096788.33), dbSNP rs431825304, ClinGen allele CA017586.

ClinVar aggregate classification (germline): Conflicting classifications of pathogenicity. Review status: criteria provided, conflicting classifications (1 of 4 stars). 14 submissions from 13 submitters: Uncertain significance (8); Likely benign (4). 2 of the submissions do not count toward it. Last evaluated 2026-04-16.

Conditions:
BRCA2-related disorder. Also called: BRCA2-related condition; BRCA2-related disorders. Identifiers: MedGen CN239275.
Hereditary cancer-predisposing syndrome. Also called: Tumor predisposition; Neoplastic Syndromes, Hereditary; Hereditary Cancer Syndrome; Hereditary neoplastic syndrome. Identifiers: Orphanet 140162, MedGen C0027672, MeSH D009386, MONDO:0015356.
Hereditary breast ovarian cancer syndrome. Also called: Hereditary breast and ovarian cancer; Breast and ovarian cancer; Hereditary breast and ovarian cancer syndrome; Hereditary breast and/or ovarian cancer syndrome; Hereditary breast and ovarian cancer syndrome (HBOC); BRCA1- and BRCA2-Associated Hereditary Breast and Ovarian Cancer. Identifiers: Orphanet 145, MedGen C0677776, MeSH D061325, MONDO:0003582. Disease mechanism: loss of function.
Fanconi anemia complementation group D1. Also called: BRCA2-Related Fanconi Anemia. Identifiers: Orphanet 319462, MedGen C1838457, MONDO:0011584, OMIM 605724.
Breast-ovarian cancer, familial, susceptibility to, 2 (BROVCA2). Also called: BRCA2 Hereditary Breast and Ovarian Cancer. Identifiers: Orphanet 145, MedGen C2675520, MONDO:0012933, OMIM 612555. Disease mechanism: loss of function.

Allele frequency attached by ClinVar (database versions not stated): gnomAD exomes below 0.00001 and 0.00001; TOPMed below 0.00001.

Submissions (14):

Women's Health and Genetics/Laboratory Corporation of America, LabCorp
Classification: Likely benign. Last evaluated: 2026-04-16. Review status: criteria provided, single submitter. Criteria: LabCorp Variant Classification Summary - May 2015. Collection method: clinical testing. Allele origin: germline.
Comment: Variant summary: BRCA2 c.3226G>A (p.Val1076Ile) results in a conservative amino acid change in the encoded protein sequence. Algorithms developed to predict the effect of missense changes on protein structure and function all suggest that this variant is likely to be tolerated. The variant allele was found at a frequency of 4.1e-06 in 241606 control chromosomes. The available data on variant occurrences in the general population are insufficient to allow any conclusion about variant significance. c.3226G>A has been observed in individual(s) affected with Hereditary Breast And Ovarian Cancer Syndrome, without strong evidence for causality (Peixoto_2014, Kote-Jarai_2011). These report(s) do not provide unequivocal conclusions about association of the variant with Hereditary Breast And Ovarian Cancer Syndrome. The variant was reported in patients with other pathogenic variants (UMD database). To our knowledge, no experimental evidence demonstrating an impact on protein function has been reported. The following publications have been ascertained in the context of this evaluation (PMID: 21952622, 24916970). ClinVar contains an entry for this variant (Variation ID: 96788). Based on the evidence outlined above, the variant was classified as likely benign.

Labcorp Genetics (formerly Invitae), Labcorp
Classification: Likely benign for Hereditary breast ovarian cancer syndrome. Last evaluated: 2025-09-03. Review status: criteria provided, single submitter. Criteria: Invitae Variant Classification Sherloc (09022015). Collection method: clinical testing. Allele origin: germline.

Quest Diagnostics Nichols Institute San Juan Capistrano
Classification: Uncertain significance. Last evaluated: 2025-05-16. Review status: criteria provided, single submitter. Criteria: Quest Diagnostics criteria. Collection method: clinical testing. Allele origin: unknown.
Comment: The BRCA2 c.3226G>A (p.Val1076Ile) variant has been reported in the published literature in individuals and families with breast and/or ovarian cancer (PMIDs: 24916970 (2015), 39402389 (2024)) or prostate cancer (PMID: 21952622 (2011)), as well as in reportedly unaffected individuals in a large-scale breast cancer association study (PMID: 33471991 (2021), see also LOVD). This variant has also been described to be located in a region of the BRCA2 gene that is tolerant to missense sequence changes (PMID: 31911673 (2020)). The frequency of this variant in the general population (Genome Aggregation Database) is uninformative in the assessment of its pathogenicity. Analysis of this variant using bioinformatics tools for the prediction of the effect of amino acid changes on protein structure and function yielded predictions that this variant is benign. Based on the available information, we are unable to determine the clinical significance of this variant.

Ambry Genetics
Classification: Likely benign for Hereditary cancer-predisposing syndrome. Last evaluated: 2025-03-19. Review status: criteria provided, single submitter. Criteria: Ambry Variant Classification Scheme 2023. Collection method: clinical testing. Allele origin: germline.

Color Diagnostics, LLC DBA Color Health
Classification: Uncertain significance for Hereditary cancer-predisposing syndrome. Last evaluated: 2024-01-31. Review status: criteria provided, single submitter. Criteria: ACMG Guidelines, 2015. Collection method: clinical testing. Allele origin: germline.
Comment: This missense variant replaces valine with isoleucine at codon 1076 of the BRCA2 protein. Computational prediction suggests that this variant may not impact protein structure and function. To our knowledge, functional studies have not been reported for this variant. This variant has been reported in a family with a history of breast and/or ovarian cancer (PMID: 21952622) and an individual affected with prostate cancer (PMID: 21952622). In a large breast cancer case-control study conducted by the BRIDGES consortium, this variant was reported in 1/60466 cases and 2/53461 unaffected controls (PMID: 33471991; Leiden Open Variation Database DB-ID BRCA2_002985). This variant has been identified in 1/241606 chromosomes in the general population by the Genome Aggregation Database (gnomAD). The available evidence is insufficient to determine the role of this variant in disease conclusively. Therefore, this variant is classified as a Variant of Uncertain Significance.

All of Us Research Program, National Institutes of Health
Classification: Uncertain significance for Breast-ovarian cancer, familial, susceptibility to, 2. Last evaluated: 2023-05-23. Review status: criteria provided, single submitter. Criteria: ACMG Guidelines, 2015. Collection method: clinical testing. Allele origin: germline. Inheritance: Autosomal dominant inheritance. Observed: 1 variant allele, 1 heterozygote.
Comment: This missense variant replaces valine with isoleucine at codon 1076 of the BRCA2 protein. Computational prediction suggests that this variant may not impact protein structure and function. To our knowledge, functional studies have not been reported for this variant. This variant has been reported in a family with a history of breast and/or ovarian cancer (PMID: 21952622) and an individual affected with prostate cancer (PMID: 21952622). In a large breast cancer case-control study conducted by the BRIDGES consortium, this variant was reported in 1/60466 cases and 2/53461 unaffected controls (PMID: 33471991; Leiden Open Variation Database DB-ID BRCA2_002985). This variant has been identified in 1/241606 chromosomes in the general population by the Genome Aggregation Database (gnomAD). The available evidence is insufficient to determine the role of this variant in disease conclusively. Therefore, this variant is classified as a Variant of Uncertain Significance.

This study involves interpretation of variants in research participants for the purpose of population health screening. Participant phenotype was not available at the time of variant classification. Additional details can be found in publication PMID: 35346344, PMCID: PMC8962531

University of Washington Department of Laboratory Medicine, University of Washington
Classification: Likely benign for Hereditary cancer-predisposing syndrome. Last evaluated: 2023-03-23. Review status: criteria provided, single submitter. Criteria: Dines et al. (Genet Med. 2020). Collection method: curation. Allele origin: germline.
Comment: Missense variant in a coldspot region where missense variants are very unlikely to be pathogenic (PMID:31911673).

BRCA2 exon 11 coldspot. Reclassification based on statistical prior probability.

Mendelics
Classification: Uncertain significance. Last evaluated: 2022-05-04. Review status: criteria provided, single submitter. Criteria: Mendelics Assertion Criteria 2019. Collection method: clinical testing. Allele origin: germline.

Sema4
Classification: Uncertain significance for Hereditary cancer-predisposing syndrome. Last evaluated: 2021-05-12. Review status: criteria provided, single submitter. Criteria: Sema4 Curation Guidelines. Collection method: curation. Allele origin: germline.
Comment: The BRCA2 c.3226G>A (p.V1076I) variant has been reported in several individuals with breast or prostate cancer, however it was also reported in healthy controls (PMID: 33471991, 21952622). It was also identified in at least two families suspected to have hereditary breast and ovarian cancer syndrome (PMID: 27633797, 24916970), and it was reported to co-occur with another BRCA2 pathogenic variant in one individual (PMID: 27633797). It was observed in 1/241606 chromosomes across all populations in the large and broad cohorts of the Genome Aggregation Database (PMID: 32461654). The variant has been reported in ClinVar (Variation ID 96788). In silico tools suggest the impact of the variant on protein function is benign, though these predictions have not been confirmed by functional studies. The evidence is insufficient to meet ACMG/AMP criteria for classifying the variant as benign or pathogenic. Thus, the clinical significance of this variant is currently uncertain.

GeneDx
Classification: Uncertain significance. Last evaluated: 2020-02-26. Review status: criteria provided, single submitter. Criteria: GeneDx Variant Classification Process June 2021. Collection method: clinical testing. Allele origin: germline. Affected: yes.
Comment: Not observed at a significant frequency in large population cohorts (Lek 2016); In silico analysis supports that this missense variant does not alter protein structure/function; Also known as c.3454G>A; Observed in individuals with a personal or family history including breast and/or ovarian cancer (Peixoto 2015); This variant is associated with the following publications: (PMID: 24916970, 27633797)

Illumina Laboratory Services, Illumina
Classification: Uncertain significance for Breast-ovarian cancer, familial, susceptibility to, 2. Last evaluated: 2017-04-27. Review status: criteria provided, single submitter. Criteria: ICSL Variant Classification Criteria 13 December 2019. Collection method: clinical testing. Allele origin: germline.

Illumina Laboratory Services, Illumina
Classification: Uncertain significance for Fanconi anemia complementation group D1. Last evaluated: 2017-04-27. Review status: criteria provided, single submitter. Criteria: ICSL Variant Classification Criteria 13 December 2019. Collection method: clinical testing. Allele origin: germline.

PreventionGenetics, part of Exact Sciences
Classification: Uncertain significance for BRCA2-related condition. Last evaluated: 2024-06-25. Review status: no assertion criteria provided. Collection method: clinical testing. Allele origin: germline. Not counted in ClinVar's aggregate classification.
Comment: The BRCA2 c.3226G>A variant is predicted to result in the amino acid substitution p.Val1076Ile. This variant was reported as a variant of uncertain significance in a family with breast and/or ovarian cancer (Peixoto et al. 2014. PubMed ID: 24916970). It is also documented in one individual with breast cancer, and two controls in the Breast Cancer Association Consortium cohort (2021. PubMed ID: 33471991). The c.3226G>A variant resides in exon 11 of the BRCA2 gene, which has been suggested to be a mutational "cold spot", meaning this region of BRCA2 is thought to tolerate sequence variants (Dines et al. 2020. PubMed ID: 31911673; Kote-Jarai et al. 2011. PubMed ID: 21952622). This variant is reported in 1 out of 241,606 individuals in gnomAD. This variant has conflicting interpretations in ClinVar, but is primarily classified as a variant of uncertain significance (VUS). At this time, the clinical significance of this variant is uncertain due to the absence of conclusive functional and genetic evidence.

Sharing Clinical Reports Project (SCRP)
Classification: Uncertain significance for Breast-ovarian cancer, familial 2. Last evaluated: 2012-05-01. Review status: no assertion criteria provided. Collection method: clinical testing. Allele origin: germline. Not counted in ClinVar's aggregate classification.

Literature cited by the submitters: PubMed 21952622 (cited by 6 submitters); PubMed 24916970 (cited by 4 submitters); PubMed 31911673 (cited by Quest Diagnostics Nichols Institute San Juan Capistrano); PubMed 39402389 (cited by Quest Diagnostics Nichols Institute San Juan Capistrano); PubMed 33471991 (cited by 3 submitters); PubMed 27633797 (cited by Sema4).